The following is an entry in ClinVar:

ClinVar aggregate classification (germline): Uncertain significance (1 of 4 stars; one submission).

Conditions:
Familial hypobetalipoproteinemia 1. Also called: APOB-Related Familial Hypobetalipoproteinemia; Hypobetalipoproteinemia, normotriglyceridemic; Acanthocytosis with hypobetalipoproteinemia. Identifiers: MedGen C4551990, MONDO:0014252, OMIM 615558.
Hypercholesterolemia, autosomal dominant, type B (FHCL2). Also called: Familial Hypercholesterolemia Type B; APOLIPOPROTEIN B-100, FAMILIAL DEFECTIVE; APOLIPOPROTEIN B-100, FAMILIAL LIGAND-DEFECTIVE; HYPERCHOLESTEROLEMIA, FAMILIAL, DUE TO LIGAND-DEFECTIVE APOLIPOPROTEIN B; Hyperlipoproteinemia Type IIb; Familial hypercholesterolemia 2. Identifiers: MedGen C1704417, MONDO:0007751, OMIM 144010.

Submission:

Labcorp Genetics (formerly Invitae), Labcorp
Classification: Uncertain significance for Familial hypobetalipoproteinemia 1; Hypercholesterolemia, autosomal dominant, type B. Last evaluated: 2023-02-02. Review status: criteria provided, single submitter. Criteria: Invitae Variant Classification Sherloc (09022015). Collection method: clinical testing. Allele origin: germline.
Comment: In summary, the available evidence is currently insufficient to determine the role of this variant in disease. Therefore, it has been classified as a Variant of Uncertain Significance. Advanced modeling of protein sequence and biophysical properties (such as structural, functional, and spatial information, amino acid conservation, physicochemical variation, residue mobility, and thermodynamic stability) performed at Invitae indicates that this missense variant is not expected to disrupt APOB protein function. This variant has not been reported in the literature in individuals affected with APOB-related conditions. This variant is not present in population databases (gnomAD no frequency). This sequence change replaces asparagine, which is neutral and polar, with aspartic acid, which is acidic and polar, at codon 1510 of the APOB protein (p.Asn1510Asp).

NM_000384.3(APOB):c.4528A>G (p.Asn1510Asp)

Gene: APOB (apolipoprotein B; minus strand). Cytogenetic location: 2p24.1.
Variant type: single nucleotide variant.
Coding change: c.4528A>G on transcript NM_000384.3 (MANE Select); coding-DNA position 4528, A replaced by G.
Protein change: p.Asn1510Asp; replaces asparagine 1510 with aspartic acid.
Molecular consequence: missense variant.
Genome position (GRCh38, 1-based): chr2:21,012,340, T>C on the plus strand (A>G on the coding strand, the complement: APOB is on the minus strand). VCF-style: chr2-21012340-T-C. GRCh37 (hg19) VCF-style: chr2-21235212-T-C.
Other names: short protein forms N1510D.
Identifiers: ClinVar variation 2938382 (VCV002938382.2), dbSNP rs762864976, ClinGen allele CA346006690.